The following is an entry in ClinVar:

ClinVar aggregate classification (germline): Benign. Review status: criteria provided, multiple submitters, no conflicts (2 of 4 stars). 7 submissions from 7 submitters: Benign (6). 1 of the submissions does not count toward it. Last evaluated 2026-02-04.

Conditions:
Zellweger spectrum disorders (ZS). Also called: Zellweger Spectrum Disorder; Zellweger Spectrum; Zellweger syndrome; Zellweger Spectrum Disorder (ZSD). Identifiers: Orphanet 912, MedGen C0043459, MONDO:0019609.
Peroxisome biogenesis disorder 4A (Zellweger) (PBD4A). Also called: Zellweger syndrome spectrum (PEX6-related). Identifiers: Orphanet 912, MedGen C3553936, MONDO:0013930, OMIM 614862. Disease mechanism: loss of function.
Peroxisome biogenesis disorder. Identifiers: Orphanet 79189, MedGen C1832200, MONDO:0019234. Disease mechanism: loss of function.

Allele frequency attached by ClinVar (database versions not stated): gnomAD exomes 0.00183 and 0.00227; ExAC 0.00193; gnomAD 0.02141; 1000 Genomes Project 0.02396; TOPMed 0.02424; 1000 Genomes Project 30x 0.02545.
gnomAD v4.1: 5,846 of 1,494,790 alleles (0.39%); highest among the groups gnomAD compares: African/African-American, 7.5%; 187 homozygotes.

Submissions (7):

Labcorp Genetics (formerly Invitae), Labcorp
Classification: Benign for Peroxisome biogenesis disorder. Last evaluated: 2026-02-04. Review status: criteria provided, single submitter. Criteria: Invitae Variant Classification Sherloc (09022015). Collection method: clinical testing. Allele origin: germline.

Mayo Clinic Laboratories, Mayo Clinic
Classification: Benign. Last evaluated: 2022-03-10. Review status: criteria provided, single submitter. Criteria: ACMG Guidelines, 2015. Collection method: clinical testing. Allele origin: germline. Observed: 24 variant alleles.

GeneDx
Classification: Benign. Last evaluated: 2021-01-18. Review status: criteria provided, single submitter. Criteria: GeneDx Variant Classification Process June 2021. Collection method: clinical testing. Allele origin: germline. Affected: yes.

Athena Diagnostics
Classification: Benign. Last evaluated: 2018-11-12. Review status: criteria provided, single submitter. Criteria: Athena Diagnostics Criteria. Collection method: clinical testing. Allele origin: germline.

Illumina Laboratory Services, Illumina
Classification: Benign for Peroxisome biogenesis disorder 4A (Zellweger). Last evaluated: 2018-01-12. Review status: criteria provided, single submitter. Criteria: ICSL Variant Classification Criteria 13 December 2019. Collection method: clinical testing. Allele origin: germline.
Comment: This variant was observed in the ICSL laboratory as part of a predisposition screen in an ostensibly healthy population. It had not been previously curated by ICSL or reported in the Human Gene Mutation Database (HGMD: prior to June 1st, 2018), and was therefore a candidate for classification through an automated scoring system. Utilizing variant allele frequency, disease prevalence and penetrance estimates, and inheritance mode, an automated score was calculated to assess if this variant is too frequent to cause the disease. Based on the score and internal cut-off values, a variant classified as benign is not then subjected to further curation. The score for this variant resulted in a classification of benign for this disease.

Eurofins Ntd Llc (ga)
Classification: Benign. Last evaluated: 2013-03-11. Review status: criteria provided, single submitter. Criteria: EGL Classification Definitions 2015. Collection method: clinical testing. Allele origin: germline. Observed: 8 variant alleles, 7 heterozygotes, 1 homozygote.

Natera, Inc.
Classification: Benign for Zellweger syndrome. Last evaluated: 2020-09-16. Review status: no assertion criteria provided. Collection method: clinical testing. Allele origin: germline. Not counted in ClinVar's aggregate classification.

NM_000287.4(PEX6):c.207C>T (p.Pro69=)

Gene: PEX6 (peroxisomal biogenesis factor 6; minus strand). Cytogenetic location: 6p21.1.
Variant type: single nucleotide variant.
Coding change: c.207C>T on transcript NM_000287.4 (MANE Select); coding-DNA position 207, C replaced by T.
Protein change: p.Pro69=; no amino-acid change (proline 69 retained).
Molecular consequence: synonymous variant. On other transcripts: non-coding transcript variant (1).
Genome position (GRCh38, 1-based): chr6:42,978,944, G>A on the plus strand (C>T on the coding strand, the complement: PEX6 is on the minus strand). VCF-style: chr6-42978944-G-A. GRCh37 (hg19) VCF-style: chr6-42946682-G-A.
Other names: p.Pro69=; c.207C>T, p.Pro69= (NM_001316313.2).
Identifiers: ClinVar variation 92782 (VCV000092782.24), dbSNP rs11539736, ClinGen allele CA146002.